The following is an entry in ClinVar:

NM_002335.4(LRP5):c.687-8G>A

Gene: LRP5 (LDL receptor related protein 5; plus strand). Cytogenetic location: 11q13.2.
Variant type: single nucleotide variant.
Coding change: c.687-8G>A on transcript NM_002335.4 (MANE Select); 8 bases into the intron before coding-DNA position 687, G replaced by A.
Molecular consequence: intron variant.
Genome position (GRCh38, 1-based): chr11:68,363,739, G>A. VCF-style: chr11-68363739-G-A. GRCh37 (hg19) VCF-style: chr11-68131207-G-A.
Other names: p.?; c.-1079-8G>A (NM_001291902.2).
Identifiers: ClinVar variation 197206 (VCV000197206.29), dbSNP rs190810239, ClinGen allele CA202745.

ClinVar aggregate classification (germline): Benign/Likely benign. Review status: criteria provided, multiple submitters, no conflicts (2 of 4 stars). 11 submissions from 11 submitters: Benign (5); Likely benign (1). 5 of the submissions do not count toward it. Last evaluated 2026-01-31.

Conditions:
Disorder of bone. Also called: Bone disease; Bone disorder; Rare bone disease related to a common gene or pathway defect. Identifiers: Orphanet 364803, MedGen C0005940, MONDO:0005381.

Allele frequency attached by ClinVar (database versions not stated): gnomAD exomes 0.00093 and 0.00199; ExAC 0.00227; 1000 Genomes Project 0.00619; 1000 Genomes Project 30x 0.00656; gnomAD 0.00668 and 0.00718; ESP Exome Variant Server 0.00725; TOPMed 0.00750.
gnomAD v4.1: 2,431 of 1,611,126 alleles (0.15%); highest among the groups gnomAD compares: African/African-American, 2.2%; 16 homozygotes.

Submissions (11):

Labcorp Genetics (formerly Invitae), Labcorp
Classification: Benign. Last evaluated: 2026-01-31. Review status: criteria provided, single submitter. Criteria: Invitae Variant Classification Sherloc (09022015). Collection method: clinical testing. Allele origin: germline.

Mayo Clinic Laboratories, Mayo Clinic
Classification: Benign. Last evaluated: 2025-02-26. Review status: criteria provided, single submitter. Criteria: ACMG Guidelines, 2015. Collection method: clinical testing. Allele origin: germline. Observed: 4 variant alleles.
Comment: BA1, BS2, BP4, BP7

Blueprint Genetics
Classification: Likely benign. Last evaluated: 2024-11-06. Review status: criteria provided, single submitter. Criteria: ACMG Guidelines, 2015. Collection method: clinical testing. Allele origin: germline.

Genome Diagnostics Laboratory, The Hospital for Sick Children
Classification: Benign for Disorder of bone. Last evaluated: 2021-01-04. Review status: criteria provided, single submitter. Criteria: ACMG Guidelines, 2015. Collection method: clinical testing. Allele origin: germline. Affected: yes.
Comment: This intronic variant is classified as Benign (ACMG criteria - BS1, BS2, BP6, BP4)

GeneDx
Classification: Benign. Last evaluated: 2018-09-21. Review status: criteria provided, single submitter. Criteria: GeneDx Variant Classification Process June 2021. Collection method: clinical testing. Allele origin: germline. Affected: yes.

Eurofins Ntd Llc (ga)
Classification: Benign. Last evaluated: 2015-03-10. Review status: criteria provided, single submitter. Criteria: EGL Classification Definitions 2015. Collection method: clinical testing. Allele origin: germline. Observed: 1 variant allele, 1 heterozygote.

Clinical Genetics DNA and cytogenetics Diagnostics Lab, Erasmus MC, Erasmus Medical Center
Classification: Benign. Review status: no assertion criteria provided. Collection method: clinical testing. Allele origin: germline. Affected: yes. Study: VKGL Data-share Consensus. Not counted in ClinVar's aggregate classification.

Clinical Genetics, Academic Medical Center
Classification: Benign. Review status: no assertion criteria provided. Collection method: clinical testing. Allele origin: germline. Affected: yes. Study: VKGL Data-share Consensus. Not counted in ClinVar's aggregate classification.

Genome Diagnostics Laboratory, Amsterdam University Medical Center
Classification: Likely benign. Review status: no assertion criteria provided. Collection method: clinical testing. Allele origin: germline. Affected: yes. Study: VKGL Data-share Consensus. Not counted in ClinVar's aggregate classification.

Genome Diagnostics Laboratory, University Medical Center Utrecht
Classification: Likely benign. Review status: no assertion criteria provided. Collection method: clinical testing. Allele origin: germline. Affected: yes. Study: VKGL Data-share Consensus. Not counted in ClinVar's aggregate classification.

Laboratory of Diagnostic Genome Analysis, Leiden University Medical Center (LUMC)
Classification: Likely benign. Review status: no assertion criteria provided. Collection method: clinical testing. Allele origin: germline. Affected: yes. Study: VKGL Data-share Consensus. Not counted in ClinVar's aggregate classification.